The following is an entry in ClinVar:

NM_181486.4(TBX5):c.595dup (p.Thr199fs)

Gene: TBX5 (T-box transcription factor 5; minus strand). Cytogenetic location: 12q24.21.
Variant type: Duplication.
Coding change: c.595dup on transcript NM_181486.4 (MANE Select); coding-DNA position 595, one base duplicated (A; older notation c.595dupA).
Protein change: p.Thr199fs; shifts the reading frame from threonine 199.
Molecular consequence: frameshift variant.
Genome position (GRCh38, 1-based): chr12:114,394,809, T duplicated on the plus strand (A on the coding strand, the reverse complement: TBX5 is on the minus strand). VCF-style (leftmost placement, unchanged base first): chr12-114394808-G-GT. GRCh37 (hg19) VCF-style: chr12-114832613-G-GT.
Other names: c.595dupA (NM_000192.3); c.595dup, p.Thr199fs (NM_000192.3); c.445dup, p.Thr149fs (NM_080717.4); short protein forms T149fs, T199fs.
Identifiers: ClinVar variation 543962 (VCV000543962.6), dbSNP rs1555226005, ClinGen allele CA658797963.

ClinVar aggregate classification (germline): Pathogenic (1 of 4 stars; one submission).

Conditions:
Aortic valve disease 2 (AOVD2). Identifiers: MedGen C3542024, MONDO:0013902, OMIM 614823.

Submission:

Labcorp Genetics (formerly Invitae), Labcorp
Classification: Pathogenic for Aortic valve disease 2. Last evaluated: 2018-01-31. Review status: criteria provided, single submitter. Criteria: Invitae Variant Classification Sherloc (09022015). Collection method: clinical testing. Allele origin: germline.
Comment: This sequence change creates a premature translational stop signal (p.Thr199Asnfs*10) in the TBX5 gene. It is expected to result in an absent or disrupted protein product. This variant is not present in population databases (ExAC no frequency). For these reasons, this variant has been classified as Pathogenic. Loss-of-function variants in TBX5 are known to be pathogenic (PMID: 16183809, 16917909). This variant has not been reported in the literature in individuals with TBX5-related disease.

Literature cited by the submitters: PubMed 16183809; PubMed 16917909.